The following is an entry in ClinVar:

ClinVar aggregate classification (germline): Uncertain significance (1 of 4 stars; one submission).

Conditions:
Epileptic encephalopathy. Identifiers: MedGen C0543888, HP:0200134.

Submission:

Labcorp Genetics (formerly Invitae), Labcorp
Classification: Uncertain significance for Epileptic encephalopathy. Last evaluated: 2023-12-14. Review status: criteria provided, single submitter. Criteria: Invitae Variant Classification Sherloc (09022015). Collection method: clinical testing. Allele origin: germline.
Comment: This sequence change falls in intron 27 of the FASN gene. It does not directly change the encoded amino acid sequence of the FASN protein. This variant is not present in population databases (gnomAD no frequency). This variant has not been reported in the literature in individuals affected with FASN-related conditions. Algorithms developed to predict the effect of sequence changes on RNA splicing suggest that this variant may disrupt the consensus splice site. In summary, the available evidence is currently insufficient to determine the role of this variant in disease. Therefore, it has been classified as a Variant of Uncertain Significance.

NM_004104.5(FASN):c.4769-7C>A

Gene: FASN (fatty acid synthase; minus strand). Cytogenetic location: 17q25.3.
Variant type: single nucleotide variant.
Coding change: c.4769-7C>A on transcript NM_004104.5 (MANE Select); 7 bases into the intron before coding-DNA position 4769, C replaced by A.
Molecular consequence: intron variant.
Genome position (GRCh38, 1-based): chr17:82,084,391, G>T on the plus strand (C>A on the coding strand, the complement: FASN is on the minus strand). VCF-style: chr17-82084391-G-T. GRCh37 (hg19) VCF-style: chr17-80042267-G-T.
Identifiers: ClinVar variation 2859474 (VCV002859474.3), dbSNP rs1201495954, ClinGen allele CA2541809706.